The following is an entry in ClinVar:

ClinVar aggregate classification (germline): Uncertain significance (1 of 4 stars; one submission).

gnomAD v4.1: 3 of 1,614,050 alleles (0.00019%); highest among the groups gnomAD compares: Non-Finnish European, 0.00025%; no homozygotes.

Submission:

Labcorp Genetics (formerly Invitae), Labcorp
Classification: Uncertain significance. Last evaluated: 2025-04-11. Review status: criteria provided, single submitter. Criteria: Invitae Variant Classification Sherloc (09022015). Collection method: clinical testing. Allele origin: germline.
Comment: This sequence change replaces serine, which is neutral and polar, with glycine, which is neutral and non-polar, at codon 323 of the NRIP1 protein (p.Ser323Gly). This variant is present in population databases (rs760721654, gnomAD 0.0009%). This variant has not been reported in the literature in individuals affected with NRIP1-related conditions. An algorithm developed to predict the effect of missense changes on protein structure and function outputs the following: PolyPhen-2: "Benign". The glycine amino acid residue is found in multiple mammalian species, which suggests that this missense change does not adversely affect protein function. In summary, the available evidence is currently insufficient to determine the role of this variant in disease. Therefore, it has been classified as a Variant of Uncertain Significance.

NM_003489.4(NRIP1):c.967A>G (p.Ser323Gly)

Gene: NRIP1 (nuclear receptor interacting protein 1; minus strand). Cytogenetic location: 21q11.2.
Variant type: single nucleotide variant.
Coding change: c.967A>G on transcript NM_003489.4 (MANE Select); coding-DNA position 967, A replaced by G.
Protein change: p.Ser323Gly; replaces serine 323 with glycine.
Molecular consequence: missense variant.
Genome position (GRCh38, 1-based): chr21:14,967,226, T>C on the plus strand (A>G on the coding strand, the complement: NRIP1 is on the minus strand). VCF-style: chr21-14967226-T-C. GRCh37 (hg19) VCF-style: chr21-16339547-T-C.
Other names: c.967A>G, p.Ser323Gly (NM_001439275.1, NM_001439276.1, NM_001439277.1 and 10 more transcripts); short protein forms S323G.
Identifiers: ClinVar variation 4695424 (VCV004695424.1).